The following is an entry in ClinVar:

NM_004153.4(ORC1):c.289G>T (p.Ala97Ser)

Gene: ORC1 (origin recognition complex subunit 1; minus strand). Cytogenetic location: 1p32.3.
Variant type: single nucleotide variant.
Coding change: c.289G>T on transcript NM_004153.4 (MANE Select); coding-DNA position 289, G replaced by T.
Protein change: p.Ala97Ser; replaces alanine 97 with serine.
Molecular consequence: missense variant.
Genome position (GRCh38, 1-based): chr1:52,397,798, C>A on the plus strand (G>T on the coding strand, the complement: ORC1 is on the minus strand). VCF-style: chr1-52397798-C-A. GRCh37 (hg19) VCF-style: chr1-52863470-C-A.
Other names: c.289G>T, p.Ala97Ser (NM_001190818.2, NM_001190819.2); short protein forms A97S.
Identifiers: ClinVar variation 874948 (VCV000874948.6), dbSNP rs370667339, ClinGen allele CA853631.
Genomic context (GRCh38, chr1:52,397,798, plus strand): 5'-AATCATACCAGAATATTTCCTGTGCACCAGGCTTCCGGCCCAACAAATGCCGTTTACAGG[C>A]AGGGACTTCACAGAATCGGACAAACCACTGTACTCGAGCACGTTTCTTAGGAGGAGGATC-3'
Protein context (NP_004144.2, residues 87-107): QWFVRFCEVP[Ala97Ser]CKRHLLGRKP

ClinVar aggregate classification (germline): Uncertain significance. Review status: criteria provided, multiple submitters, no conflicts (2 of 4 stars). 3 submissions from 3 submitters: Uncertain significance (3). Last evaluated 2024-05-23.

Conditions:
Meier-Gorlin syndrome 1 (MGORS1). Also called: EAR, PATELLA, SHORT STATURE SYNDROME. Identifiers: Orphanet 2554, MedGen C4552001, MONDO:0009143, OMIM 224690.
Inborn genetic diseases. Identifiers: MedGen C0950123, MeSH D030342.

Allele frequency attached by ClinVar (database versions not stated): gnomAD exomes 0.00012; ExAC 0.00016; gnomAD 0.00002 and 0.00005; TOPMed 0.00002; ESP Exome Variant Server 0.00008.
gnomAD v4.1: 90 of 1,614,178 alleles (0.0056%); highest among the groups gnomAD compares: South Asian, 0.067%; 1 homozygote.

Submissions (3):

Ambry Genetics
Classification: Uncertain significance for Inborn genetic diseases. Last evaluated: 2024-05-23. Review status: criteria provided, single submitter. Criteria: Ambry Variant Classification Scheme 2023. Collection method: clinical testing. Allele origin: germline.

Labcorp Genetics (formerly Invitae), Labcorp
Classification: Uncertain significance. Last evaluated: 2022-07-30. Review status: criteria provided, single submitter. Criteria: Invitae Variant Classification Sherloc (09022015). Collection method: clinical testing. Allele origin: germline.
Comment: This sequence change replaces alanine, which is neutral and non-polar, with serine, which is neutral and polar, at codon 97 of the ORC1 protein (p.Ala97Ser). This variant is present in population databases (rs370667339, gnomAD 0.08%). This variant has not been reported in the literature in individuals affected with ORC1-related conditions. ClinVar contains an entry for this variant (Variation ID: 874948). Algorithms developed to predict the effect of missense changes on protein structure and function (SIFT, PolyPhen-2, Align-GVGD) all suggest that this variant is likely to be tolerated. In summary, the available evidence is currently insufficient to determine the role of this variant in disease. Therefore, it has been classified as a Variant of Uncertain Significance.

Illumina Laboratory Services, Illumina
Classification: Uncertain significance for Meier-Gorlin syndrome 1. Last evaluated: 2018-03-30. Review status: criteria provided, single submitter. Criteria: ICSL Variant Classification Criteria 13 December 2019. Collection method: clinical testing. Allele origin: germline.